The following is an entry in ClinVar:

ClinVar aggregate classification (germline): Pathogenic (1 of 4 stars; one submission).

Submission:

Labcorp Genetics (formerly Invitae), Labcorp
Classification: Pathogenic. Last evaluated: 2022-08-23. Review status: criteria provided, single submitter. Criteria: Invitae Variant Classification Sherloc (09022015). Collection method: clinical testing. Allele origin: germline.
Comment: This variant is a gross deletion of the genomic region encompassing exon(s) 2-3 of the PCDH15 gene, which includes the initiator codon. This deletion extends beyond the assayed region for this gene and therefore may encompass additional genes. It is expected to result in an absent or disrupted protein product. Loss-of-function variants in PCDH15 are known to be pathogenic (PMID: 11398101, 11487575, 14570705). This variant has not been reported in the literature in individuals affected with PCDH15-related conditions. For these reasons, this variant has been classified as Pathogenic.

Literature cited by the submitters: PubMed 11398101; PubMed 11487575; PubMed 14570705.

NC_000010.11:g.(?_54527802)_(54664272_?)del

Gene: PCDH15 (protocadherin related 15; minus strand). Cytogenetic location: 10q21.1.
Variant type: Deletion.
Identifiers: ClinVar variation 831509 (VCV000831509.5).